The following is an entry in ClinVar:

NM_000382.3(ALDH3A2):c.784A>T (p.Lys262Ter)

Gene: ALDH3A2 (aldehyde dehydrogenase 3 family member A2; plus strand). Cytogenetic location: 17p11.2.
Variant type: single nucleotide variant.
Coding change: c.784A>T on transcript NM_000382.3 (MANE Select); coding-DNA position 784, A replaced by T.
Protein change: p.Lys262Ter; replaces lysine 262 with a stop codon.
Molecular consequence: nonsense.
Genome position (GRCh38, 1-based): chr17:19,657,848, A>T. VCF-style: chr17-19657848-A-T. GRCh37 (hg19) VCF-style: chr17-19561161-A-T.
Other names: c.784A>T, p.Lys262Ter (NM_001031806.2, NM_001369136.1, NM_001369137.2 and 3 more transcripts); c.205A>T, p.Lys69Ter (NM_001369148.2); short protein forms K262*, K69*.
Identifiers: ClinVar variation 983973 (VCV000983973.3), dbSNP rs2544376202, ClinGen allele CA398707148.

ClinVar aggregate classification (germline): Likely pathogenic (1 of 4 stars; one submission).

Conditions:
Sjögren-Larsson syndrome (SLS). Also called: FATTY ALCOHOL:NAD+ OXIDOREDUCTASE DEFICIENCY; FATTY ALDEHYDE DEHYDROGENASE DEFICIENCY; ICHTHYOSIS, SPASTIC NEUROLOGIC DISORDER, AND OLIGOPHRENIA; FALDH DEFICIENCY. Identifiers: Orphanet 816, MedGen C0037231, MONDO:0010031, OMIM 270200.

Submission:

Myriad Genetics, Inc.
Classification: Likely pathogenic for Sjögren-Larsson syndrome. Last evaluated: 2019-09-21. Review status: criteria provided, single submitter. Criteria: Myriad Women's Health Autosomal Recessive and X-Linked Classification Criteria (2019). Collection method: clinical testing. Allele origin: unknown.
Comment: NM_000382.2(ALDH3A2):c.784A>T(K262*) is expected to be pathogenic in the context of Sjogren-Larsson syndrome. This variant is predicted to lead to an abnormal or absent protein product due to the creation of a premature termination codon in ALDH3A2, a gene where loss-of-function variants are known to be pathogenic. Please note: this variant was assessed in the context of healthy population screening.